The following is an entry in ClinVar:

NM_003098.3(SNTA1):c.1315G>A (p.Gly439Ser)

Gene: SNTA1 (syntrophin alpha 1; minus strand). Cytogenetic location: 20q11.21.
Variant type: single nucleotide variant.
Coding change: c.1315G>A on transcript NM_003098.3 (MANE Select); coding-DNA position 1315, G replaced by A.
Protein change: p.Gly439Ser; replaces glycine 439 with serine.
Molecular consequence: missense variant. On other transcripts: synonymous variant (1).
Genome position (GRCh38, 1-based): chr20:33,408,811, C>T on the plus strand (G>A on the coding strand, the complement: SNTA1 is on the minus strand). VCF-style: chr20-33408811-C-T. GRCh37 (hg19) VCF-style: chr20-31996617-C-T.
Other names: c.1315G>A, p.Gly439Ser (NM_001424413.1); c.1347G>A, p.Gln449= (NM_001424414.1); short protein forms G439S.
Identifiers: ClinVar variation 3959293 (VCV003959293.1).
Genomic context (GRCh38, chr20:33,408,811, plus strand): 5'-CATCTGAAGACATCTGCAGCTTCTCGAAGGGCTGTCGCAGGAGCACAGCTCGGGCTGCAC[C>T]TGGCTCAGCCGCCCACAGTGTGAAGCCCTTGTCGATGTGCACAGACAGGCTGCAGGGACG-3'
Protein context (NP_003089.1, residues 429-449): KGFTLWAAEP[Gly439Ser]AARAVLLRQP

ClinVar aggregate classification (germline): Uncertain significance (1 of 4 stars; one submission).

Conditions:
Cardiovascular phenotype. Identifiers: MedGen CN230736.

gnomAD v4.1: 2 of 1,614,100 alleles (0.00012%); highest among the groups gnomAD compares: Non-Finnish European, 0.00017%; no homozygotes.

Submission:

Ambry Genetics
Classification: Uncertain significance for Cardiovascular phenotype. Last evaluated: 2025-04-07. Review status: criteria provided, single submitter. Criteria: Ambry Variant Classification Scheme 2023. Collection method: clinical testing. Allele origin: germline.
Comment: The p.G439S variant (also known as c.1315G>A), located in coding exon 7 of the SNTA1 gene, results from a G to A substitution at nucleotide position 1315. The glycine at codon 439 is replaced by serine, an amino acid with similar properties. This amino acid position is conserved. In addition, the in silico prediction for this alteration is inconclusive. Based on the available evidence, the clinical significance of this variant remains unclear.